The following is an entry in ClinVar:

ClinVar aggregate classification (germline): association (0 of 4 stars; one submission).

Conditions:
ABO blood group system. Also called: ABO BLOOD GROUP SYSTEM, O PHENOTYPE; ABO BLOOD GROUP SYSTEM, A/B POLYMORPHISM; ABO BLOOD GROUP SYSTEM, A2 PHENOTYPE; ABO BLOOD GROUP SYSTEM, CIS-AB PHENOTYPE; ABO BLOOD GROUP SYSTEM, B(A) PHENOTYPE. Identifiers: MedGen C0000778, OMIM 616093, HP:0032224.

Allele frequency attached by ClinVar (database versions not stated): gnomAD 0.83181 and 0.83353; TOPMed 0.83657; 1000 Genomes Project 30x 0.85899.

Submission:

Blood Transfusion Service Zurich, Swiss Red Cross
Classification: association for ABO blood group system. Last evaluated: 2021-05-01. Review status: no assertion criteria provided. Collection method: research. Allele origin: inherited. Inheritance: Codominant. Affected: yes.
Comment: ABO blood group system, phenotype A1, diagnostic specificity for ABO*A1.01 and ABO*A1.02 blood group alleles (rs532436 T allele, NG_006669.2:g.5801T)

NC_000009.12:g.133274414A>G

Gene: ABO (ABO, alpha 1-3-N-acetylgalactosaminyltransferase and alpha 1-3-galactosyltransferase; minus strand). Cytogenetic location: 9q34.2.
Variant type: single nucleotide variant.
Genome position: GRCh38 VCF-style: chr9-133274414-A-G. GRCh37 (hg19) VCF-style: chr9-136149830-G-G.
Identifiers: ClinVar variation 1172912 (VCV001172912.1), dbSNP rs532436, ClinGen allele CA200771134.